The following is an entry in ClinVar:

ClinVar aggregate classification (germline): Uncertain significance (1 of 4 stars; one submission).

Conditions:
Holoprosencephaly 11 (HPE11). Identifiers: Orphanet 2162, MedGen C3280215, MONDO:0013642, OMIM 614226.

gnomAD v4.1: 17 of 1,612,750 alleles (0.0011%); highest among the groups gnomAD compares: Admixed American, 0.017%; no homozygotes.

Submission:

Labcorp Genetics (formerly Invitae), Labcorp
Classification: Uncertain significance for Holoprosencephaly 11. Last evaluated: 2024-06-26. Review status: criteria provided, single submitter. Criteria: Invitae Variant Classification Sherloc (09022015). Collection method: clinical testing. Allele origin: germline.
Comment: This sequence change replaces glycine, which is neutral and non-polar, with serine, which is neutral and polar, at codon 401 of the CDON protein (p.Gly401Ser). This variant is present in population databases (no rsID available, gnomAD 0.02%). This variant has not been reported in the literature in individuals affected with CDON-related conditions. Algorithms developed to predict the effect of missense changes on protein structure and function output the following: SIFT: "Not Available"; PolyPhen-2: "Benign"; Align-GVGD: "Not Available". The serine amino acid residue is found in multiple mammalian species, which suggests that this missense change does not adversely affect protein function. In summary, the available evidence is currently insufficient to determine the role of this variant in disease. Therefore, it has been classified as a Variant of Uncertain Significance.

NM_001378964.1(CDON):c.1201G>A (p.Gly401Ser)

Gene: CDON (cell adhesion associated, oncogene regulated; minus strand). Cytogenetic location: 11q24.2.
Variant type: single nucleotide variant.
Coding change: c.1201G>A on transcript NM_001378964.1 (MANE Select); coding-DNA position 1201, G replaced by A.
Protein change: p.Gly401Ser; replaces glycine 401 with serine.
Molecular consequence: missense variant.
Genome position (GRCh38, 1-based): chr11:126,010,692, C>T on the plus strand (G>A on the coding strand, the complement: CDON is on the minus strand). VCF-style: chr11-126010692-C-T. GRCh37 (hg19) VCF-style: chr11-125880587-C-T.
Other names: c.1201G>A, p.Gly401Ser (NM_001243597.3, NM_016952.6); short protein forms G401S.
Identifiers: ClinVar variation 3670350 (VCV003670350.2).